The following is an entry in ClinVar:

NM_182914.3(SYNE2):c.5155A>G (p.Met1719Val)

Gene: SYNE2 (spectrin repeat containing nuclear envelope protein 2; plus strand). Cytogenetic location: 14q23.2.
Variant type: single nucleotide variant.
Coding change: c.5155A>G on transcript NM_182914.3 (MANE Select); coding-DNA position 5155, A replaced by G.
Protein change: p.Met1719Val; replaces methionine 1719 with valine.
Molecular consequence: missense variant.
Genome position (GRCh38, 1-based): chr14:64,021,318, A>G. VCF-style: chr14-64021318-A-G. GRCh37 (hg19) VCF-style: chr14-64488036-A-G.
Other names: c.5155A>G, p.Met1719Val (NM_015180.6); short protein forms M1719V.
Identifiers: ClinVar variation 448633 (VCV000448633.35), dbSNP rs189676187, ClinGen allele CA7220413.

ClinVar aggregate classification (germline): Conflicting classifications of pathogenicity. Review status: criteria provided, conflicting classifications (1 of 4 stars). 6 submissions from 6 submitters: Uncertain significance (3); Benign (2); Likely benign (1). Last evaluated 2025-07-10.

Conditions:
Emery-Dreifuss muscular dystrophy 5, autosomal dominant (EDMD5). Also called: EMERY-DREIFUSS MUSCULAR DYSTROPHY 5. Identifiers: Orphanet 261, MedGen C2751805, MONDO:0013072, OMIM 612999.

Allele frequency attached by ClinVar (database versions not stated): ExAC 0.00004; gnomAD exomes 0.00007; gnomAD 0.00029 and 0.00032; TOPMed 0.00053; 1000 Genomes Project 0.00080; 1000 Genomes Project 30x 0.00094.

Submissions (6):

Labcorp Genetics (formerly Invitae), Labcorp
Classification: Uncertain significance for Emery-Dreifuss muscular dystrophy 5, autosomal dominant. Last evaluated: 2025-07-10. Review status: criteria provided, single submitter. Criteria: Invitae Variant Classification Sherloc (09022015). Collection method: clinical testing. Allele origin: germline.
Comment: This sequence change replaces methionine, which is neutral and non-polar, with valine, which is neutral and non-polar, at codon 1719 of the SYNE2 protein (p.Met1719Val). This variant is present in population databases (rs189676187, gnomAD 0.01%). This variant has not been reported in the literature in individuals affected with SYNE2-related conditions. ClinVar contains an entry for this variant (Variation ID: 448633). An algorithm developed to predict the effect of missense changes on protein structure and function (PolyPhen-2) suggests that this variant is likely to be disruptive. In summary, the available evidence is currently insufficient to determine the role of this variant in disease. Therefore, it has been classified as a Variant of Uncertain Significance.

Revvity Omics, Revvity
Classification: Benign for Emery-Dreifuss muscular dystrophy 5, autosomal dominant. Last evaluated: 2025-03-06. Review status: criteria provided, single submitter. Criteria: ACMG Guidelines, 2015. Collection method: clinical testing. Allele origin: germline.

CeGaT Center for Human Genetics Tuebingen
Classification: Likely benign. Last evaluated: 2024-09-01. Review status: criteria provided, single submitter. Criteria: CeGaT Center For Human Genetics Tuebingen Variant Classification Criteria Version 2. Collection method: clinical testing. Allele origin: germline. Affected: yes. Observed: 1 variant allele.
Comment: SYNE2: BP4, BS2

Blueprint Genetics
Classification: Uncertain significance. Last evaluated: 2024-04-24. Review status: criteria provided, single submitter. Criteria: ACMG Guidelines, 2015. Collection method: clinical testing. Allele origin: germline.

Illumina Laboratory Services, Illumina
Classification: Benign for Emery-Dreifuss muscular dystrophy 5, autosomal dominant. Last evaluated: 2018-03-26. Review status: criteria provided, single submitter. Criteria: ICSL Variant Classification Criteria 13 December 2019. Collection method: clinical testing. Allele origin: germline.
Comment: This variant was observed in the ICSL laboratory as part of a predisposition screen in an ostensibly healthy population. It had not been previously curated by ICSL or reported in the Human Gene Mutation Database (HGMD: prior to June 1st, 2018), and was therefore a candidate for classification through an automated scoring system. Utilizing variant allele frequency, disease prevalence and penetrance estimates, and inheritance mode, an automated score was calculated to assess if this variant is too frequent to cause the disease. Based on the score and internal cut-off values, a variant classified as benign is not then subjected to further curation. The score for this variant resulted in a classification of benign for this disease.

Athena Diagnostics
Classification: Uncertain significance. Last evaluated: 2016-09-14. Review status: criteria provided, single submitter. Criteria: Athena Diagnostics Criteria. Collection method: clinical testing. Allele origin: germline.